The following is an entry in ClinVar:

ClinVar aggregate classification (germline): Uncertain significance (1 of 4 stars; one submission).

Submission:

GeneDx
Classification: Uncertain significance. Last evaluated: 2025-02-05. Review status: criteria provided, single submitter. Criteria: GeneDx Variant Classification Process June 2021. Collection method: clinical testing. Allele origin: germline. Affected: yes.
Comment: Not observed at significant frequency in large population cohorts (gnomAD); In silico analysis supports that this missense variant has a deleterious effect on protein structure/function; Has not been previously published as pathogenic or benign to our knowledge

NM_017588.3(WDR5):c.457G>C (p.Val153Leu)

Gene: WDR5 (WD repeat domain 5; plus strand). Cytogenetic location: 9q34.2.
Variant type: single nucleotide variant.
Coding change: c.457G>C on transcript NM_017588.3 (MANE Select); coding-DNA position 457, G replaced by C.
Protein change: p.Val153Leu; replaces valine 153 with leucine.
Molecular consequence: missense variant.
Genome position (GRCh38, 1-based): chr9:134,142,648, G>C. VCF-style: chr9-134142648-G-C. GRCh37 (hg19) VCF-style: chr9-137007770-G-C.
Other names: c.457G>C, p.Val153Leu (NM_001384409.1, NM_001384410.1, NM_001384411.1 and 6 more transcripts); c.448G>C, p.Val150Leu (NM_001384417.1); c.328G>C, p.Val110Leu (NM_001384418.1, NM_001384419.1); short protein forms V110L, V150L, V153L.
Identifiers: ClinVar variation 4074650 (VCV004074650.1).